The following is an entry in ClinVar:

ClinVar aggregate classification (germline): Uncertain significance (1 of 4 stars; one submission).

Allele frequency attached by ClinVar (database versions not stated): TOPMed below 0.00001; ExAC 0.00002.
gnomAD v4.1: 15 of 1,614,116 alleles (0.00093%); highest among the groups gnomAD compares: East Asian, 0.0045%; no homozygotes.

Submission:

GeneDx
Classification: Uncertain significance. Last evaluated: 2023-04-27. Review status: criteria provided, single submitter. Criteria: GeneDx Variant Classification Process June 2021. Collection method: clinical testing. Allele origin: germline. Affected: yes.
Comment: Has not been previously published as pathogenic or benign to our knowledge; In silico analysis supports that this missense variant does not alter protein structure/function

NM_001130004.2(ACTN1):c.2444C>T (p.Ala815Val)

Gene: ACTN1 (actinin alpha 1; minus strand). Cytogenetic location: 14q24.1.
Variant type: single nucleotide variant.
Coding change: c.2444C>T on transcript NM_001130004.2 (MANE Select); coding-DNA position 2444, C replaced by T.
Protein change: p.Ala815Val; replaces alanine 815 with valine.
Molecular consequence: missense variant.
Genome position (GRCh38, 1-based): chr14:68,877,224, G>A on the plus strand (C>T on the coding strand, the complement: ACTN1 is on the minus strand). VCF-style: chr14-68877224-G-A. GRCh37 (hg19) VCF-style: chr14-69343941-G-A.
Other names: c.2378C>T, p.Ala793Val (NM_001102.4, NM_001424012.1); c.2363C>T, p.Ala788Val (NM_001130005.2, NM_001424014.1); c.2387C>T, p.Ala796Val (NM_001411035.1); c.2183C>T, p.Ala728Val (NM_001411036.1, NM_001424026.1); c.2504C>T, p.Ala835Val (NM_001424013.1); c.2465C>T, p.Ala822Val (NM_001424015.1); c.2402C>T, p.Ala801Val (NM_001424016.1); c.2375C>T, p.Ala792Val (NM_001424017.1); and 11 more; short protein forms A518V, A705V, A723V, A727V, A728V, A732V, A754V, A766V.
Identifiers: ClinVar variation 2662744 (VCV002662744.1), dbSNP rs769440404, ClinGen allele CA7241988.
Genomic context (GRCh38, chr14:68,877,224, plus strand): 5'-ATGAAGGCCTGGAATGTCACTACCCCCAGGCGGTTGGGGTCCACAATGCTCATGATGCGG[G>A]CAAATTCTGCTTCTCCCTGGAGGGAACAGCCAAACCCAGGCCTGTCAGCCCATGGCCTGC-3'
Protein context (NP_001123476.1, residues 805-825): MGYNMGEAEF[Ala815Val]RIMSIVDPNR